The following is an entry in ClinVar:

NM_001004334.4(GPR179):c.1595G>A (p.Arg532His)

Gene: GPR179 (G protein-coupled receptor 179; minus strand). Cytogenetic location: 17q12.
Variant type: single nucleotide variant.
Coding change: c.1595G>A on transcript NM_001004334.4 (MANE Select); coding-DNA position 1595, G replaced by A.
Protein change: p.Arg532His; replaces arginine 532 with histidine.
Molecular consequence: missense variant.
Genome position (GRCh38, 1-based): chr17:38,335,083, C>T on the plus strand (G>A on the coding strand, the complement: GPR179 is on the minus strand). VCF-style: chr17-38335083-C-T. GRCh37 (hg19) VCF-style: chr17-36490966-C-T.
Other names: short protein forms R532H.
Identifiers: ClinVar variation 323019 (VCV000323019.14), dbSNP rs59208852, ClinGen allele CA10645580.

ClinVar aggregate classification (germline): Benign. Review status: criteria provided, multiple submitters, no conflicts (2 of 4 stars). 3 submissions from 3 submitters: Benign (3). Last evaluated 2026-01-22.

Conditions:
Congenital stationary night blindness 1E. Also called: Night blindness, congenital stationary (complete), 1E, autosomal recessive. Identifiers: Orphanet 215, MedGen C3281215, MONDO:0013807, OMIM 614565.

Allele frequency attached by ClinVar (database versions not stated): gnomAD exomes 0.00122 and 0.00307; ExAC 0.00410; gnomAD 0.01137 and 0.01203; ESP Exome Variant Server 0.01229; TOPMed 0.01292; 1000 Genomes Project 0.01538; 1000 Genomes Project 30x 0.01718.
gnomAD v4.1: 3,608 of 1,613,412 alleles (0.22%); highest among the groups gnomAD compares: African/African-American, 4%; 58 homozygotes.

Submissions (3):

Labcorp Genetics (formerly Invitae), Labcorp
Classification: Benign. Last evaluated: 2026-01-22. Review status: criteria provided, single submitter. Criteria: Invitae Variant Classification Sherloc (09022015). Collection method: clinical testing. Allele origin: germline.

Illumina Laboratory Services, Illumina
Classification: Benign for Congenital stationary night blindness 1E. Last evaluated: 2018-01-12. Review status: criteria provided, single submitter. Criteria: ICSL Variant Classification Criteria 13 December 2019. Collection method: clinical testing. Allele origin: germline.
Comment: This variant was observed in the ICSL laboratory as part of a predisposition screen in an ostensibly healthy population. It had not been previously curated by ICSL or reported in the Human Gene Mutation Database (HGMD: prior to June 1st, 2018), and was therefore a candidate for classification through an automated scoring system. Utilizing variant allele frequency, disease prevalence and penetrance estimates, and inheritance mode, an automated score was calculated to assess if this variant is too frequent to cause the disease. Based on the score and internal cut-off values, a variant classified as benign is not then subjected to further curation. The score for this variant resulted in a classification of benign for this disease.

Breakthrough Genomics
Classification: Benign. Review status: criteria provided, single submitter. Criteria: ACMG Guidelines, 2015. Collection method: not provided. Allele origin: germline. Inheritance: Autosomal recessive inheritance. Affected: yes.